The following is an entry in ClinVar:

NM_000124.4(ERCC6):c.3821G>T (p.Gly1274Val)

Gene: ERCC6 (ERCC excision repair 6, chromatin remodeling factor; minus strand). Cytogenetic location: 10q11.23.
Variant type: single nucleotide variant.
Coding change: c.3821G>T on transcript NM_000124.4 (MANE Select); coding-DNA position 3821, G replaced by T.
Protein change: p.Gly1274Val; replaces glycine 1274 with valine.
Molecular consequence: missense variant.
Genome position (GRCh38, 1-based): chr10:49,461,514, C>A on the plus strand (G>T on the coding strand, the complement: ERCC6 is on the minus strand). VCF-style: chr10-49461514-C-A. GRCh37 (hg19) VCF-style: chr10-50669560-C-A.
Other names: c.3821G>T, p.Gly1274Val (NM_001346440.2); short protein forms G1274V.
Identifiers: ClinVar variation 2049215 (VCV002049215.3), dbSNP rs1564725914, ClinGen allele CA376708606.

ClinVar aggregate classification (germline): Uncertain significance (1 of 4 stars; one submission).

Allele frequency attached by ClinVar (database versions not stated): gnomAD exomes below 0.00001.
gnomAD v4.1: 1 of 1,614,108 alleles (0.000062%); highest among the groups gnomAD compares: Non-Finnish European, 0.000085%; no homozygotes.

Submission:

Labcorp Genetics (formerly Invitae), Labcorp
Classification: Uncertain significance. Last evaluated: 2022-08-21. Review status: criteria provided, single submitter. Criteria: Invitae Variant Classification Sherloc (09022015). Collection method: clinical testing. Allele origin: germline.
Comment: This sequence change replaces glycine, which is neutral and non-polar, with valine, which is neutral and non-polar, at codon 1274 of the ERCC6 protein (p.Gly1274Val). In summary, the available evidence is currently insufficient to determine the role of this variant in disease. Therefore, it has been classified as a Variant of Uncertain Significance. Algorithms developed to predict the effect of missense changes on protein structure and function (SIFT, PolyPhen-2, Align-GVGD) all suggest that this variant is likely to be disruptive. This variant has not been reported in the literature in individuals affected with ERCC6-related conditions. This variant is not present in population databases (gnomAD no frequency).